The following is an entry in ClinVar:

ClinVar aggregate classification (germline): Benign (0 of 4 stars; one submission).

Conditions:
BTN2A2-related disorder. Also called: BTN2A2-related condition.

Allele frequency attached by ClinVar (database versions not stated): ExAC 0.53443; gnomAD exomes 0.54065; 1000 Genomes Project 0.57967; 1000 Genomes Project 30x 0.59166; gnomAD 0.62482; TOPMed 0.63805; ESP Exome Variant Server 0.64647.
gnomAD v4.1: 884,984 of 1,613,786 alleles (55%); highest among the groups gnomAD compares: African/African-American, 87%; 248,880 homozygotes.

Submission:

PreventionGenetics, part of Exact Sciences
Classification: Benign for BTN2A2-related condition. Last evaluated: 2019-10-16. Review status: no assertion criteria provided. Collection method: clinical testing. Allele origin: germline.
Comment: This variant is classified as benign based on ACMG/AMP sequence variant interpretation guidelines (Richards et al. 2015 PMID: 25741868, with internal and published modifications).

NM_006995.5(BTN2A2):c.1398G>A (p.Ser466=)

Gene: BTN2A2 (butyrophilin subfamily 2 member A2; plus strand). Cytogenetic location: 6p22.2.
Variant type: single nucleotide variant.
Coding change: c.1398G>A on transcript NM_006995.5 (MANE Select); coding-DNA position 1398, G replaced by A.
Protein change: p.Ser466=; no amino-acid change (serine 466 retained).
Molecular consequence: synonymous variant. On other transcripts: 3 prime UTR variant (1), intron variant (1).
Genome position (GRCh38, 1-based): chr6:26,392,793, G>A. VCF-style: chr6-26392793-G-A. GRCh37 (hg19) VCF-style: chr6-26393021-G-A.
Other names: c.1398G>A, p.Ser466= (NM_001197237.2); c.768G>A, p.Ser256= (NM_001197239.2); c.*498G>A (NM_001197240.2); c.1050G>A, p.Ser350= (NM_181531.3); c.980-1505G>A (NM_001197238.2).
Identifiers: ClinVar variation 3059725 (VCV003059725.2), dbSNP rs1614887, ClinGen allele CA3672687.
Genomic context (GRCh38, chr6:26,392,793, plus strand): 5'-GGGCGTCTTCCTGGACTATGAAGCTGGAGATGTCTCCTTCTACAACATGAGGGACAGATC[G>A]CACATCTACACATGTCCCCGTTCAGCCTTTACTGTGCCTGTGAGGCCCTTCTTCAGGTTA-3'
Protein context (NP_008926.2, residues 456-476): DVSFYNMRDR[Ser466=]HIYTCPRSAF